The following is an entry in ClinVar:

NM_002875.5(RAD51):c.225+607G>A

Gene: RAD51 (RAD51 recombinase; plus strand). Cytogenetic location: 15q15.1.
Variant type: single nucleotide variant.
Coding change: c.225+607G>A on transcript NM_002875.5 (MANE Select); 607 bases into the intron after coding-DNA position 225, G replaced by A.
Molecular consequence: intron variant. On other transcripts: synonymous variant (2).
Genome position (GRCh38, 1-based): chr15:40,701,808, G>A. VCF-style: chr15-40701808-G-A. GRCh37 (hg19) VCF-style: chr15-40994006-G-A.
Other names: c.228G>A, p.Thr76= (NM_001164269.2, NM_133487.4); c.225+607G>A (NM_001164270.2); c.228G>A (NM_001164269.1).
Identifiers: ClinVar variation 2645182 (VCV002645182.25), dbSNP rs148981648, ClinGen allele CA7483943.

ClinVar aggregate classification (germline): Likely benign. Review status: criteria provided, multiple submitters, no conflicts (2 of 4 stars). 2 submissions from 2 submitters: Likely benign (2). Last evaluated 2026-05-01.

Conditions:
RAD51-related disorder. Also called: RAD51-related disorders; RAD51-related condition.

Allele frequency attached by ClinVar (database versions not stated): 1000 Genomes Project 30x 0.00078; ExAC 0.00087; gnomAD 0.00263.
gnomAD v4.1: 404 of 201,140 alleles (0.2%); highest among the groups gnomAD compares: Admixed American, 0.31%; 1 homozygote.

Submissions (2):

CeGaT Center for Human Genetics Tuebingen
Classification: Likely benign. Last evaluated: 2026-05-01. Review status: criteria provided, single submitter. Criteria: CeGaT Center For Human Genetics Tuebingen Variant Classification Criteria Version 2. Collection method: clinical testing. Allele origin: germline. Affected: yes. Observed: 24 variant alleles.
Comment: RAD51: BP4, BP7, BS1

PreventionGenetics, part of Exact Sciences
Classification: Likely benign for RAD51-related condition. Last evaluated: 2025-01-23. Review status: criteria provided, single submitter. Criteria: ACMG Guidelines, 2015. Collection method: clinical testing. Allele origin: germline.
Comment: This variant is classified as likely benign based on ACMG/AMP sequence variant interpretation guidelines (Richards et al. 2015 PMID: 25741868, with internal and published modifications).